The following is an entry in ClinVar:

NM_001112741.2(KCNC1):c.487G>A (p.Gly163Ser)

Gene: KCNC1 (potassium voltage-gated channel subfamily C member 1; plus strand). Cytogenetic location: 11p15.1.
Variant type: single nucleotide variant.
Coding change: c.487G>A on transcript NM_001112741.2 (MANE Select); coding-DNA position 487, G replaced by A.
Protein change: p.Gly163Ser; replaces glycine 163 with serine.
Molecular consequence: missense variant.
Genome position (GRCh38, 1-based): chr11:17,736,489, G>A. VCF-style: chr11-17736489-G-A. GRCh37 (hg19) VCF-style: chr11-17758036-G-A.
Other names: c.487G>A, p.Gly163Ser (NM_004976.4); short protein forms G163S.
Identifiers: ClinVar variation 1397173 (VCV001397173.6), dbSNP rs570508576, ClinGen allele CA5906682.

ClinVar aggregate classification (germline): Uncertain significance (1 of 4 stars; one submission).

Conditions:
Progressive myoclonic epilepsy type 7. Identifiers: Orphanet 435438, MedGen C4015420, MONDO:0014521, OMIM 616187.

Allele frequency attached by ClinVar (database versions not stated): gnomAD exomes below 0.00001; gnomAD 0.00001; ExAC 0.00002; 1000 Genomes Project 30x 0.00016; 1000 Genomes Project 0.00020.
gnomAD v4.1: 2 of 1,594,868 alleles (0.00013%); highest among the groups gnomAD compares: Admixed American, 0.0017%; no homozygotes.

Submission:

Labcorp Genetics (formerly Invitae), Labcorp
Classification: Uncertain significance for Progressive myoclonic epilepsy type 7. Last evaluated: 2024-05-06. Review status: criteria provided, single submitter. Criteria: Invitae Variant Classification Sherloc (09022015). Collection method: clinical testing. Allele origin: germline.
Comment: This sequence change replaces glycine, which is neutral and non-polar, with serine, which is neutral and polar, at codon 163 of the KCNC1 protein (p.Gly163Ser). The frequency data for this variant in the population databases is considered unreliable, as metrics indicate poor data quality at this position in the gnomAD database. This variant has not been reported in the literature in individuals affected with KCNC1-related conditions. ClinVar contains an entry for this variant (Variation ID: 1397173). Advanced modeling of protein sequence and biophysical properties (such as structural, functional, and spatial information, amino acid conservation, physicochemical variation, residue mobility, and thermodynamic stability) performed at Invitae indicates that this missense variant is not expected to disrupt KCNC1 protein function with a negative predictive value of 80%. In summary, the available evidence is currently insufficient to determine the role of this variant in disease. Therefore, it has been classified as a Variant of Uncertain Significance.